The following is an entry in ClinVar:

ClinVar aggregate classification (germline): Likely benign. Review status: criteria provided, single submitter (1 of 4 stars). 2 submissions from 2 submitters: Likely benign (1). 1 of the submissions does not count toward it. Last evaluated 2024-05-08.

Conditions:
FOCAD-related disorder. Also called: FOCAD-related condition.

Allele frequency attached by ClinVar (database versions not stated): gnomAD exomes 0.00006 and 0.00010; ExAC 0.00007; gnomAD 0.00004; TOPMed 0.00004.
gnomAD v4.1: 155 of 1,613,916 alleles (0.0096%); highest among the groups gnomAD compares: Non-Finnish European, 0.012%; no homozygotes.

Submissions (2):

Labcorp Genetics (formerly Invitae), Labcorp
Classification: Likely benign. Last evaluated: 2024-05-08. Review status: criteria provided, single submitter. Criteria: Invitae Variant Classification Sherloc (09022015). Collection method: clinical testing. Allele origin: germline.

PreventionGenetics, part of Exact Sciences
Classification: Likely benign for FOCAD-related condition. Last evaluated: 2022-10-12. Review status: no assertion criteria provided. Collection method: clinical testing. Allele origin: germline. Not counted in ClinVar's aggregate classification.
Comment: This variant is classified as likely benign based on ACMG/AMP sequence variant interpretation guidelines (Richards et al. 2015 PMID: 25741868, with internal and published modifications).

NM_001375567.1(FOCAD):c.2877T>C (p.Asn959=)

Gene: FOCAD (focadhesin; plus strand). Cytogenetic location: 9p21.3.
Variant type: single nucleotide variant.
Coding change: c.2877T>C on transcript NM_001375567.1 (MANE Select); coding-DNA position 2877, T replaced by C.
Protein change: p.Asn959=; no amino-acid change (asparagine 959 retained).
Molecular consequence: synonymous variant.
Genome position (GRCh38, 1-based): chr9:20,923,684, T>C. VCF-style: chr9-20923684-T-C. GRCh37 (hg19) VCF-style: chr9-20923683-T-C.
Other names: c.2772T>C, p.Asn924= (NM_001375568.1, NM_001375570.1); c.2877T>C, p.Asn959= (NM_017794.5).
Identifiers: ClinVar variation 708792 (VCV000708792.7), dbSNP rs762974225, ClinGen allele CA5007319.